The following is an entry in ClinVar:

ClinVar aggregate classification (germline): Uncertain significance. Review status: criteria provided, multiple submitters, no conflicts (2 of 4 stars). 2 submissions from 2 submitters: Uncertain significance (2). Last evaluated 2025-10-29.

Conditions:
Inborn genetic diseases. Identifiers: MedGen C0950123, MeSH D030342.

Allele frequency attached by ClinVar (database versions not stated): ESP Exome Variant Server 0.00008; 1000 Genomes Project 30x 0.00016; 1000 Genomes Project 0.00020.

Submissions (2):

Ambry Genetics
Classification: Uncertain significance for Inborn genetic diseases. Last evaluated: 2025-10-29. Review status: criteria provided, single submitter. Criteria: Ambry Variant Classification Scheme 2023. Collection method: clinical testing. Allele origin: germline.

Labcorp Genetics (formerly Invitae), Labcorp
Classification: Uncertain significance. Last evaluated: 2024-07-12. Review status: criteria provided, single submitter. Criteria: Invitae Variant Classification Sherloc (09022015). Collection method: clinical testing. Allele origin: germline.
Comment: This sequence change replaces threonine, which is neutral and polar, with lysine, which is basic and polar, at codon 204 of the PIGL protein (p.Thr204Lys). This variant is present in population databases (rs374224976, gnomAD 0.02%). This variant has not been reported in the literature in individuals affected with PIGL-related conditions. ClinVar contains an entry for this variant (Variation ID: 2390276). Advanced modeling of protein sequence and biophysical properties (such as structural, functional, and spatial information, amino acid conservation, physicochemical variation, residue mobility, and thermodynamic stability) performed at Invitae indicates that this missense variant is not expected to disrupt PIGL protein function with a negative predictive value of 80%. In summary, the available evidence is currently insufficient to determine the role of this variant in disease. Therefore, it has been classified as a Variant of Uncertain Significance.

NM_004278.4(PIGL):c.611C>A (p.Thr204Lys)

Gene: PIGL (phosphatidylinositol glycan anchor biosynthesis class L; plus strand). Cytogenetic location: 17p11.2.
Variant type: single nucleotide variant.
Coding change: c.611C>A on transcript NM_004278.4 (MANE Select); coding-DNA position 611, C replaced by A.
Protein change: p.Thr204Lys; replaces threonine 204 with lysine.
Molecular consequence: missense variant. On other transcripts: nonsense (1).
Genome position (GRCh38, 1-based): chr17:16,317,859, C>A. VCF-style: chr17-16317859-C-A. GRCh37 (hg19) VCF-style: chr17-16221173-C-A.
Other names: c.579C>A, p.Tyr193Ter (NM_001411072.1); short protein forms T204K, Y193*.
Identifiers: ClinVar variation 2390276 (VCV002390276.5), dbSNP rs374224976, ClinGen allele CA8410000.